The following is an entry in ClinVar:

NM_000059.4(BRCA2):c.3307T>G (p.Leu1103Val)

Gene: BRCA2 (BRCA2 DNA repair associated; plus strand). Cytogenetic location: 13q13.1.
Variant type: single nucleotide variant.
Coding change: c.3307T>G on transcript NM_000059.4 (MANE Select); coding-DNA position 3307, T replaced by G.
Protein change: p.Leu1103Val; replaces leucine 1103 with valine.
Molecular consequence: missense variant.
Genome position (GRCh38, 1-based): chr13:32,337,662, T>G. VCF-style: chr13-32337662-T-G. GRCh37 (hg19) VCF-style: chr13-32911799-T-G.
Other names: short protein forms L1103V.
Identifiers: ClinVar variation 862102 (VCV000862102.11), dbSNP rs773303914, ClinGen allele CA6940686.
Genomic context (GRCh38, chr13:32,337,662, plus strand): 5'-AATAGTCATATAACCCCTCAGATGTTATTTTCCAAGCAGGATTTTAATTCAAACCATAAT[T>G]TAACACCTAGCCAAAAGGCAGAAATTACAGAACTTTCTACTATATTAGAAGAATCAGGAA-3'
Protein context (NP_000050.3, residues 1093-1113): SKQDFNSNHN[Leu1103Val]TPSQKAEITE

ClinVar aggregate classification (germline): Conflicting classifications of pathogenicity. Review status: criteria provided, conflicting classifications (1 of 4 stars). 2 submissions from 2 submitters: Uncertain significance (1); Likely benign (1). Last evaluated 2023-06-18.

Conditions:
Hereditary breast ovarian cancer syndrome. Also called: Hereditary breast and ovarian cancer; Breast and ovarian cancer; Hereditary breast and/or ovarian cancer syndrome; Hereditary breast and ovarian cancer syndrome; Hereditary breast and ovarian cancer syndrome (HBOC); BRCA1- and BRCA2-Associated Hereditary Breast and Ovarian Cancer. Identifiers: Orphanet 145, MedGen C0677776, MeSH D061325, MONDO:0003582. Disease mechanism: loss of function.
Hereditary cancer-predisposing syndrome. Also called: Tumor predisposition; Hereditary neoplastic syndrome; Neoplastic Syndromes, Hereditary; Hereditary Cancer Syndrome. Identifiers: Orphanet 140162, MedGen C0027672, MeSH D009386, MONDO:0015356.

Allele frequency attached by ClinVar (database versions not stated): gnomAD exomes below 0.00001; ExAC 0.00001.
gnomAD v4.1: 1 of 1,594,992 alleles (0.000063%); highest among the groups gnomAD compares: Non-Finnish European, 0.000085%; no homozygotes.

Submissions (2):

Labcorp Genetics (formerly Invitae), Labcorp
Classification: Uncertain significance for Hereditary breast ovarian cancer syndrome. Last evaluated: 2023-06-18. Review status: criteria provided, single submitter. Criteria: Invitae Variant Classification Sherloc (09022015). Collection method: clinical testing. Allele origin: germline.
Comment: In summary, the available evidence is currently insufficient to determine the role of this variant in disease. Therefore, it has been classified as a Variant of Uncertain Significance. Advanced modeling of protein sequence and biophysical properties (such as structural, functional, and spatial information, amino acid conservation, physicochemical variation, residue mobility, and thermodynamic stability) performed at Invitae indicates that this missense variant is not expected to disrupt BRCA2 protein function. ClinVar contains an entry for this variant (Variation ID: 862102). This missense change has been observed in individual(s) with breast cancer (PMID: 27062684). This variant is present in population databases (rs773303914, gnomAD 0.0009%). This sequence change replaces leucine, which is neutral and non-polar, with valine, which is neutral and non-polar, at codon 1103 of the BRCA2 protein (p.Leu1103Val).

University of Washington Department of Laboratory Medicine, University of Washington
Classification: Likely benign for Hereditary cancer-predisposing syndrome. Last evaluated: 2023-03-23. Review status: criteria provided, single submitter. Criteria: Dines et al. (Genet Med. 2020). Collection method: curation. Allele origin: germline.
Comment: Missense variant in a coldspot region where missense variants are very unlikely to be pathogenic (PMID:31911673).

BRCA2 exon 11 coldspot. Reclassification based on statistical prior probability.

Literature cited by the submitters: PubMed 27062684 (cited by Labcorp Genetics (formerly Invitae), Labcorp).